The following is an entry in ClinVar:

NM_014991.6(WDFY3):c.9304G>A (p.Val3102Met)

Gene: WDFY3 (WD repeat and FYVE domain containing 3; minus strand). Cytogenetic location: 4q21.23.
Variant type: single nucleotide variant.
Coding change: c.9304G>A on transcript NM_014991.6 (MANE Select); coding-DNA position 9304, G replaced by A.
Protein change: p.Val3102Met; replaces valine 3102 with methionine.
Molecular consequence: missense variant.
Genome position (GRCh38, 1-based): chr4:84,690,565, C>T on the plus strand (G>A on the coding strand, the complement: WDFY3 is on the minus strand). VCF-style: chr4-84690565-C-T. GRCh37 (hg19) VCF-style: chr4-85611718-C-T.
Other names: c.9304G>A (NM_014991.4); short protein forms V3102M.
Identifiers: ClinVar variation 1695095 (VCV001695095.36), dbSNP rs374371115, ClinGen allele CA2992208.
Genomic context (GRCh38, chr4:84,690,565, plus strand): 5'-CCTGTTTGAGGGTGACGGTCTTGGCCTTTTCTTTGGAGGTGCCCATCTCCCACACACACA[C>T]AACCGTGCTTGTTCCACCCGTGATGACCAGCTTGGGGTTGGGGCAGATTGCACAGAGAAT-3'
Protein context (NP_055806.2, residues 3092-3112): LVITGGTSTV[Val3102Met]CVWEMGTSKE

ClinVar aggregate classification (germline): Conflicting classifications of pathogenicity. Review status: criteria provided, conflicting classifications (1 of 4 stars). 3 submissions from 3 submitters: Uncertain significance (2); Likely benign (1). Last evaluated 2025-11-19.

Conditions:
Inborn genetic diseases. Identifiers: MedGen C0950123, MeSH D030342.
Microcephaly 18, primary, autosomal dominant (MCPH18). Identifiers: MedGen C4479608, MONDO:0054593, OMIM 617520.

Allele frequency attached by ClinVar (database versions not stated): ExAC 0.00001; gnomAD 0.00001 and 0.00002; gnomAD exomes 0.00002; TOPMed 0.00002; ESP Exome Variant Server 0.00008.
gnomAD v4.1: 29 of 1,614,088 alleles (0.0018%); highest among the groups gnomAD compares: Non-Finnish European, 0.0023%; no homozygotes.

Submissions (3):

Ambry Genetics
Classification: Uncertain significance for Inborn genetic diseases. Last evaluated: 2025-11-19. Review status: criteria provided, single submitter. Criteria: Ambry Variant Classification Scheme 2023. Collection method: clinical testing. Allele origin: germline.

CeGaT Center for Human Genetics Tuebingen
Classification: Likely benign. Last evaluated: 2022-04-01. Review status: criteria provided, single submitter. Criteria: CeGaT Center For Human Genetics Tuebingen Variant Classification Criteria Version 2. Collection method: clinical testing. Allele origin: germline. Affected: yes. Observed: 1 variant allele.
Comment: WDFY3: PP2, BS2

Revvity Omics, Revvity
Classification: Uncertain significance for Microcephaly 18, primary, autosomal dominant. Last evaluated: 2020-11-02. Review status: criteria provided, single submitter. Criteria: ACMG Guidelines, 2015. Collection method: clinical testing. Allele origin: germline.